The following is an entry in ClinVar:

ClinVar aggregate classification (germline): Uncertain significance (1 of 4 stars; one submission).

Conditions:
Primary dilated cardiomyopathy (DCM). Also called: Dilated Cardiomyopathy. Identifiers: Orphanet 217604, MedGen C0007193, MeSH D002311, MONDO:0005021, HP:0001644. Inheritance: Various modes of inheritance.
Hypertrophic cardiomyopathy. Also called: HYPERTROPHIC MYOCARDIOPATHY. Identifiers: Orphanet 217569, MedGen C0007194, MeSH D002312, MONDO:0005045, HP:0001639.

Submission:

Labcorp Genetics (formerly Invitae), Labcorp
Classification: Uncertain significance for Hypertrophic cardiomyopathy; Primary dilated cardiomyopathy. Last evaluated: 2022-04-28. Review status: criteria provided, single submitter. Criteria: Invitae Variant Classification Sherloc (09022015). Collection method: clinical testing. Allele origin: germline.
Comment: This variant has not been reported in the literature in individuals affected with PDLIM3-related conditions. This variant is not present in population databases (gnomAD no frequency). This sequence change replaces serine, which is neutral and polar, with asparagine, which is neutral and polar, at codon 36 of the PDLIM3 protein (p.Ser36Asn). In summary, the available evidence is currently insufficient to determine the role of this variant in disease. Therefore, it has been classified as a Variant of Uncertain Significance. Algorithms developed to predict the effect of missense changes on protein structure and function (SIFT, PolyPhen-2, Align-GVGD) all suggest that this variant is likely to be disruptive. ClinVar contains an entry for this variant (Variation ID: 855288).

NM_014476.6(PDLIM3):c.107G>A (p.Ser36Asn)

Gene: PDLIM3 (PDZ and LIM domain 3; minus strand). Cytogenetic location: 4q35.1.
Variant type: single nucleotide variant.
Coding change: c.107G>A on transcript NM_014476.6 (MANE Select); coding-DNA position 107, G replaced by A.
Protein change: p.Ser36Asn; replaces serine 36 with asparagine.
Molecular consequence: missense variant. On other transcripts: non-coding transcript variant (1), intron variant (1).
Genome position (GRCh38, 1-based): chr4:185,525,158, C>T on the plus strand (G>A on the coding strand, the complement: PDLIM3 is on the minus strand). VCF-style: chr4-185525158-C-T. GRCh37 (hg19) VCF-style: chr4-186446312-C-T.
Other names: c.107G>A, p.Ser36Asn (NM_001114107.5, NM_001257962.2); c.93+10184G>A (NM_001257963.2); short protein forms S36N.
Identifiers: ClinVar variation 855288 (VCV000855288.10), dbSNP rs2095730997, ClinGen allele CA358929992.
Genomic context (GRCh38, chr4:185,525,158, plus strand): 5'-CCAAAGCCGTCAATAGCCAGGATGACATCTCCAGGACACAGGTTGGCAGCTGCCGCCTTG[C>T]TTCCTGGTGTAATCTGGAAGAAATCATGGCACTATTTAAAAACCAACATCCCGCAGTATC-3'
Protein context (NP_055291.2, residues 26-46): PLVITRITPG[Ser36Asn]KAAAANLCPG